The following is an entry in ClinVar:

NM_001291303.3(FAT4):c.3425T>C (p.Val1142Ala)

Gene: FAT4 (FAT atypical cadherin 4; plus strand). Cytogenetic location: 4q28.1.
Variant type: single nucleotide variant.
Coding change: c.3425T>C on transcript NM_001291303.3 (MANE Select); coding-DNA position 3425, T replaced by C.
Protein change: p.Val1142Ala; replaces valine 1142 with alanine.
Molecular consequence: missense variant.
Genome position (GRCh38, 1-based): chr4:125,319,836, T>C. VCF-style: chr4-125319836-T-C. GRCh37 (hg19) VCF-style: chr4-126240991-T-C.
Other names: c.3425T>C, p.Val1142Ala (NM_024582.6, NM_001291285.3); c.3425T>C (NM_024582.5); short protein forms V1142A.
Identifiers: ClinVar variation 3589931 (VCV003589931.2).
Genomic context (GRCh38, chr4:125,319,836, plus strand): 5'-TAAGTGCTGTAGATAAAGACTTTGGGCCAAATGGAGAAGTAAGGTATTCTTTTGAAATGG[T>C]GCAGCCAGATTTTGAGTTGCATGCCATCAGTGGGGAAATTACAAATACTCATCAGTTTGA-3'
Protein context (NP_001278232.1, residues 1132-1152): NGEVRYSFEM[Val1142Ala]QPDFELHAIS

ClinVar aggregate classification (germline): Uncertain significance. Review status: criteria provided, multiple submitters, no conflicts (2 of 4 stars). 2 submissions from 2 submitters: Uncertain significance (2). Last evaluated 2024-02-09.

Conditions:
Hennekam lymphangiectasia-lymphedema syndrome 2 (HKLLS2). Identifiers: Orphanet 2136, MedGen C4014939, MONDO:0014454, OMIM 616006.
Van Maldergem syndrome 2 (VMLDS2). Identifiers: Orphanet 314679, MedGen C3809875, MONDO:0014242, OMIM 615546.

gnomAD v4.1: 33 of 1,614,160 alleles (0.002%); highest among the groups gnomAD compares: South Asian, 0.035%; no homozygotes.

Submissions (2):

Labcorp Genetics (formerly Invitae), Labcorp
Classification: Uncertain significance. Last evaluated: 2024-02-09. Review status: criteria provided, single submitter. Criteria: Invitae Variant Classification Sherloc (09022015). Collection method: clinical testing. Allele origin: germline.
Comment: This sequence change replaces valine, which is neutral and non-polar, with alanine, which is neutral and non-polar, at codon 1142 of the FAT4 protein (p.Val1142Ala). This variant is present in population databases (rs770150371, gnomAD 0.04%). This variant has not been reported in the literature in individuals affected with FAT4-related conditions. Advanced modeling of protein sequence and biophysical properties (such as structural, functional, and spatial information, amino acid conservation, physicochemical variation, residue mobility, and thermodynamic stability) performed at Invitae indicates that this missense variant is not expected to disrupt FAT4 protein function with a negative predictive value of 80%. In summary, the available evidence is currently insufficient to determine the role of this variant in disease. Therefore, it has been classified as a Variant of Uncertain Significance.

Fulgent Genetics
Classification: Uncertain significance for Van Maldergem syndrome 2; Hennekam lymphangiectasia-lymphedema syndrome 2. Last evaluated: 2024-01-09. Review status: criteria provided, single submitter. Criteria: ACMG Guidelines, 2015. Collection method: clinical testing. Allele origin: germline.